The following is an entry in ClinVar:

ClinVar aggregate classification (germline): Conflicting classifications of pathogenicity. Review status: criteria provided, conflicting classifications (1 of 4 stars). 6 submissions from 6 submitters: Pathogenic (2); Likely pathogenic (1); Uncertain significance (3). Last evaluated 2026-07-17.

Conditions:
Dilated cardiomyopathy 1G (CMD1G). Identifiers: Orphanet 154, MedGen C1858763, MONDO:0011400, OMIM 604145.
Autosomal recessive limb-girdle muscular dystrophy type 2J (LGMDR10). Also called: Limb-girdle muscular dystrophy, type 2J; MUSCULAR DYSTROPHY, LIMB-GIRDLE, AUTOSOMAL RECESSIVE 10. Identifiers: Orphanet 140922, MedGen C1837342, MONDO:0012127, OMIM 608807.

Submissions (6):

GeneDx
Classification: Likely pathogenic. Last evaluated: 2026-07-17. Review status: criteria provided, single submitter. Criteria: GeneDx Variant Classification Process June 2021. Collection method: clinical testing. Allele origin: germline.
Comment: Observed with a nonsense TTN variant in a proband with distal arthrogryposis and with a frameshift TTN variant in a proband with neuromuscular disease including muscle weakness, areflexia, contractures, and abnormal gait; it is unclear if the two variants were confirmed to be on opposite alleles (in trans) in both cases (PMID: 33060286, 38050027); Frameshift variant predicted to result in protein truncation or nonsense mediated decay in a gene for which loss of function is a known mechanism of disease; Not observed at significant frequency in large population cohorts (gnomAD); Located in a specific region of the I-band within TTN for which truncating variants are significantly associated with autosomal dominant cardiomyopathy and also with autosomal recessive skeletal myopathies (PMID: 27625338, 27869827, 32778822); This variant is associated with the following publications: (PMID: 31691645, Figueroa Bonaparte2024[Abstract], 33060286, 38050027, 27625338, 27869827, 32778822)

Labcorp Genetics (formerly Invitae), Labcorp
Classification: Pathogenic for Dilated cardiomyopathy 1G; Autosomal recessive limb-girdle muscular dystrophy type 2J. Last evaluated: 2025-10-02. Review status: criteria provided, single submitter. Criteria: Invitae Variant Classification Sherloc (09022015). Collection method: clinical testing. Allele origin: germline.
Comment: This sequence change creates a premature translational stop signal (p.Pro11919Leufs*51) in the TTN gene. While this is not anticipated to result in nonsense mediated decay, it is expected to create a truncated TTN protein. This variant is not present in population databases (gnomAD no frequency). This premature translational stop signal has been observed in individual(s) with clinical features of autosomal recessive centronuclear myopathy and/or distal arthrogryposis (PMID: 33060286; internal data). In at least one individual the data is consistent with being in trans (on the opposite chromosome) from a pathogenic variant. ClinVar contains an entry for this variant (Variation ID: 595698). Algorithms developed to predict the effect of sequence changes on RNA splicing suggest that this variant may disrupt the consensus splice site. This variant is located in the I band of TTN (PMID: 25589632). Truncating variants in this region have been reported in individuals affected with autosomal recessive centronuclear myopathy (PMID: 23975875, internal data). Truncating variants in this region have also been identified in individuals affected with autosomal dominant dilated cardiomyopathy and/or cardio-related conditions (PMID: 27869827, 32964742, internal data). For these reasons, this variant has been classified as Pathogenic.

Blueprint Genetics
Classification: Uncertain significance. Last evaluated: 2023-12-27. Review status: criteria provided, single submitter. Criteria: ACMG Guidelines, 2015. Collection method: clinical testing. Allele origin: germline.

AiLife Diagnostics
Classification: Uncertain significance. Last evaluated: 2020-06-13. Review status: criteria provided, single submitter. Criteria: ACMG Guidelines, 2015. Collection method: clinical testing. Allele origin: germline. Affected: yes. Observed: 1 variant allele.

Eurofins Ntd Llc (ga)
Classification: Uncertain significance. Last evaluated: 2018-01-07. Review status: criteria provided, single submitter. Criteria: EGL Classification Definitions 2015. Collection method: clinical testing. Allele origin: germline. Observed: 1 variant allele, 1 heterozygote.

Imagene.me medical diagnostic laboratory, IMAGENE.ME SA
Classification: Pathogenic for Dilated cardiomyopathy 1G. Review status: criteria provided, single submitter. Criteria: IMAGENE.ME Variant Classification SOP 2022. Collection method: clinical testing. Allele origin: germline.
Comment: Classified according to the IMAGENE.ME variant classification SOP based on the ACMG guidelines as Pathogenic (P): PVS1 + PM2

Literature cited by the submitters: PubMed 33060286 (cited by Labcorp Genetics (formerly Invitae), Labcorp); PubMed 25589632 (cited by Labcorp Genetics (formerly Invitae), Labcorp); PubMed 23975875 (cited by Labcorp Genetics (formerly Invitae), Labcorp); PubMed 27869827 (cited by Labcorp Genetics (formerly Invitae), Labcorp); PubMed 32964742 (cited by Labcorp Genetics (formerly Invitae), Labcorp).

NM_001267550.2(TTN):c.35756del (p.Pro11919fs)

Gene: TTN (titin; minus strand). Cytogenetic location: 2q31.2.
Variant type: Deletion.
Coding change: c.35756del on transcript NM_001267550.2 (MANE Select); coding-DNA position 35756, one base deleted (C; older notation c.35756delC).
Protein change: p.Pro11919fs; shifts the reading frame from proline 11919.
Molecular consequence: frameshift variant. On other transcripts: intron variant (5).
Genome position (GRCh38, 1-based): chr2:178,667,277, G deleted on the plus strand (C on the coding strand, the reverse complement: TTN is on the minus strand); the first of 2 consecutive G bases (chr2:178,667,277-178,667,278); deleting either gives the same sequence. VCF-style (leftmost placement, unchanged base first): chr2-178667276-AG-A. GRCh37 (hg19) VCF-style: chr2-179532003-AG-A.
Other names: c.13283-24960del (NM_003319.4); c.13859-24960del (NM_133437.4); c.13658-24960del (NM_133432.3); c.31483+2941del (NM_133378.4); c.34264+2941del (NM_001256850.1); c.35756del (NM_001267550.1); short protein forms P11919fs.
Identifiers: ClinVar variation 595698 (VCV000595698.15), dbSNP rs1241310204, ClinGen allele CA761302790.
Genomic context (GRCh38, chr2:178,667,276, plus strand): 5'-TCCTAACTAGAGAATTATACCTTCAGTTGGAGGATGTTCTGGAATTTCAGGAATAGCCTC[AG>A]GTGGCTCCACCTCTGGAAAAATGCCTCTGGTTGTATCAGGTTCTTTAAAGATATTAGTAG-3'